The following is an entry in ClinVar:

NM_000130.5(F5):c.3855_3881del (p.Leu1287_Ser1295del)

Gene: F5 (coagulation factor V; minus strand). Cytogenetic location: 1q24.2.
Variant type: Deletion.
Coding change: c.3855_3881del on transcript NM_000130.5 (MANE Select); coding-DNA positions 3855 to 3881, 27 bases deleted (TTCTCTAGACTTCAGCCAGACAAACCT).
Protein change: p.Leu1287_Ser1295del.
Molecular consequence: inframe indel (on NM_000130.4).
Genome position (GRCh38, 1-based): chr1:169,541,209-169,541,235, AGGTTTGTCTGGCTGAAGTCTAGAGAA deleted on the plus strand (TTCTCTAGACTTCAGCCAGACAAACCT on the coding strand, the reverse complement: F5 is on the minus strand); deleting any 27 consecutive bases within chr1:169,541,209-169,541,238 gives the same sequence; the c. name uses the placement nearest the transcript's 3' end. VCF-style (leftmost placement, unchanged base first): chr1-169541208-GAGGTTTGTCTGGCTGAAGTCTAGAGAA-G. GRCh37 (hg19) VCF-style: chr1-169510446-GAGGTTTGTCTGGCTGAAGTCTAGAGAA-G.
Other names: c.3852_3878del27, p.Leu1287_Ser1295del (NM_000130.4).
Identifiers: ClinVar variation 3361144 (VCV003361144.1).

ClinVar aggregate classification (germline): Uncertain significance (1 of 4 stars; one submission).

Submission:

GeneDx
Classification: Uncertain significance. Last evaluated: 2023-07-15. Review status: criteria provided, single submitter. Criteria: GeneDx Variant Classification Process June 2021. Collection method: clinical testing. Allele origin: germline. Affected: yes.
Comment: In-frame deletion of 9 amino acids in a non-repeat region; Not observed at significant frequency in large population cohorts (gnomAD); In-silico analysis is inconclusive as to whether the variant impacts protein structure/function. In the absence of functional studies, the actual effect of this sequence change is unknown; Has not been previously published as pathogenic or benign to our knowledge